The following is an entry in ClinVar:

ClinVar aggregate classification (germline): Pathogenic (1 of 4 stars; one submission).

Conditions:
Cohen syndrome (COH1). Also called: PEPPER SYNDROME; Cutis verticis gyrata, retinitis pigmentosa, and sensorineural deafness. Identifiers: Orphanet 193, MedGen C0265223, MONDO:0008999, OMIM 216550.

Submission:

Labcorp Genetics (formerly Invitae), Labcorp
Classification: Pathogenic for Cohen syndrome. Last evaluated: 2021-08-12. Review status: criteria provided, single submitter. Criteria: Invitae Variant Classification Sherloc (09022015). Collection method: clinical testing. Allele origin: germline.
Comment: This variant is a gross deletion of the genomic region encompassing exon(s) 20-21 of the VPS13B gene. This variant would be expected to be in-frame, preserving the integrity of the reading frame. A similar copy number variant has been observed in individual(s) with Cohen syndrome (PMID: 15141358). For these reasons, this variant has been classified as Pathogenic.

Literature cited by the submitters: PubMed 15141358.

NC_000008.10:g.(?_100396426)_(100403942_?)del

Gene: VPS13B (vacuolar protein sorting 13 homolog B; plus strand). Cytogenetic location: 8q22.2.
Variant type: Deletion.
Identifiers: ClinVar variation 1070732 (VCV001070732.6).